The following is an entry in ClinVar:

ClinVar aggregate classification (germline): Uncertain significance. Review status: criteria provided, multiple submitters, no conflicts (2 of 4 stars). 2 submissions from 2 submitters: Uncertain significance (2). Last evaluated 2025-10-22.

Allele frequency attached by ClinVar (database versions not stated): gnomAD exomes below 0.00001 and 0.00001; ExAC 0.00002; gnomAD 0.00002; TOPMed 0.00003; 1000 Genomes Project 30x 0.00016; 1000 Genomes Project 0.00020.
gnomAD v4.1: 13 of 1,614,200 alleles (0.00081%); highest among the groups gnomAD compares: South Asian, 0.0055%; no homozygotes.

Submissions (2):

Ambry Genetics
Classification: Uncertain significance. Last evaluated: 2025-10-22. Review status: criteria provided, single submitter. Criteria: Ambry Variant Classification Scheme 2023. Collection method: clinical testing. Allele origin: germline.

Labcorp Genetics (formerly Invitae), Labcorp
Classification: Uncertain significance. Last evaluated: 2021-05-12. Review status: criteria provided, single submitter. Criteria: Invitae Variant Classification Sherloc (09022015). Collection method: clinical testing. Allele origin: germline.
Comment: In summary, the available evidence is currently insufficient to determine the role of this variant in disease. Therefore, it has been classified as a Variant of Uncertain Significance. Algorithms developed to predict the effect of sequence changes on RNA splicing suggest that this variant may create or strengthen a splice site, but this prediction has not been confirmed by published transcriptional studies. Algorithms developed to predict the effect of missense changes on protein structure and function are either unavailable or do not agree on the potential impact of this missense change (SIFT: "Deleterious"; PolyPhen-2: "Possibly Damaging"; Align-GVGD: "Class C0"). This variant has not been reported in the literature in individuals with KANK1-related conditions. This variant is present in population databases (rs115544005, ExAC 0.01%). This sequence change replaces asparagine with serine at codon 1325 of the KANK1 protein (p.Asn1325Ser). The asparagine residue is highly conserved and there is a small physicochemical difference between asparagine and serine.

NM_015158.5(KANK1):c.3974A>G (p.Asn1325Ser)

Gene: KANK1 (KN motif and ankyrin repeat domains 1; plus strand). Cytogenetic location: 9p24.3.
Variant type: single nucleotide variant.
Coding change: c.3974A>G on transcript NM_015158.5 (MANE Select); coding-DNA position 3974, A replaced by G.
Protein change: p.Asn1325Ser; replaces asparagine 1325 with serine.
Molecular consequence: missense variant. On other transcripts: non-coding transcript variant (1).
Genome position (GRCh38, 1-based): chr9:744,567, A>G. VCF-style: chr9-744567-A-G. GRCh37 (hg19) VCF-style: chr9-744567-A-G.
Other names: c.3974A>G (NM_015158.2); c.3974A>G, p.Asn1325Ser (NM_001256876.3, NM_001256877.3, NM_001354334.2); c.3734A>G, p.Asn1245Ser (NM_001354331.2); c.3920A>G, p.Asn1307Ser (NM_001354332.2); c.3500A>G, p.Asn1167Ser (NM_001354333.2, NM_001354335.2, NM_001354337.2 and 2 more transcripts); c.3206A>G, p.Asn1069Ser (NM_001354336.2); c.3446A>G, p.Asn1149Ser (NM_001354338.2, NM_001354340.2, NM_001354344.2); c.3260A>G, p.Asn1087Ser (NM_001354339.2, NM_001354342.2, NM_001354343.2); short protein forms N1069S, N1087S, N1149S, N1245S, N1307S, N1167S, N1325S.
Identifiers: ClinVar variation 1349703 (VCV001349703.9), dbSNP rs115544005, ClinGen allele CA4961279.
Genomic context (GRCh38, chr9:744,567, plus strand): 5'-TCTCAATCGCCCTGGAAGCAGGACACAAGGACATCGCTGTTCTTCTGTATGCCCATGTCA[A>G]CTTTGCAAAAGCCCAGTCTCCGGTCAGTGTTGTGCATTTGGCATTTGTAAATAGGCTGAA-3'
Protein context (NP_055973.2, residues 1315-1335): DIAVLLYAHV[Asn1325Ser]FAKAQSPGTP